The following is an entry in ClinVar:

ClinVar aggregate classification (germline): Pathogenic (1 of 4 stars; one submission).

Conditions:
Neurofibromatosis, type 1 (NF1). Also called: Neurofibromatosis, type I; VON RECKLINGHAUSEN DISEASE; Peripheral type neurofibromatosis; NEUROFIBROMATOSIS, TYPE I, SOMATIC. Identifiers: Orphanet 636, MedGen C0027831, MONDO:0018975, OMIM 162200. Disease mechanism: loss of function.

Submission:

Labcorp Genetics (formerly Invitae), Labcorp
Classification: Pathogenic for Neurofibromatosis, type 1. Last evaluated: 2019-03-22. Review status: criteria provided, single submitter. Criteria: Invitae Variant Classification Sherloc (09022015). Collection method: clinical testing. Allele origin: germline.
Comment: For these reasons, this variant has been classified as Pathogenic. Loss-of-function variants in NF1 are known to be pathogenic (PMID: 10712197, 23913538). This variant has not been reported in the literature in individuals with NF1-related conditions. This variant is not present in population databases (ExAC no frequency). This sequence change creates a premature translational stop signal (p.Tyr2482*) in the NF1 gene. It is expected to result in an absent or disrupted protein product.

Literature cited by the submitters: PubMed 10712197; PubMed 23913538.

NM_001042492.3(NF1):c.7509C>G (p.Tyr2503Ter)

Gene: NF1 (neurofibromin 1; plus strand). Cytogenetic location: 17q11.2.
Variant type: single nucleotide variant.
Coding change: c.7509C>G on transcript NM_001042492.3 (MANE Select); coding-DNA position 7509, C replaced by G.
Protein change: p.Tyr2503Ter; replaces tyrosine 2503 with a stop codon.
Molecular consequence: nonsense.
Genome position (GRCh38, 1-based): chr17:31,352,308, C>G. VCF-style: chr17-31352308-C-G. GRCh37 (hg19) VCF-style: chr17-29679326-C-G.
Other names: c.7446C>G, p.Tyr2482Ter (NM_000267.4); short protein forms Y2482*, Y2503*.
Identifiers: ClinVar variation 861417 (VCV000861417.6), dbSNP rs1555536359, ClinGen allele CA399017539.
Genomic context (GRCh38, chr17:31,352,308, plus strand): 5'-ATCTTTCAGGACACTAAAGGAGACTCAGCCATGGTCCTCTCCCAAAGGTTCTGAAGGATA[C>G]CTTGCAGCCACCTATCCAACTGTCGGCCAGACCAGTCCCCGAGCCAGGAAATCCATGAGC-3'